The following is an entry in ClinVar:

NM_005908.4(MANBA):c.1247T>G (p.Met416Arg)

Gene: MANBA (mannosidase beta; minus strand). Cytogenetic location: 4q24.
Variant type: single nucleotide variant.
Coding change: c.1247T>G on transcript NM_005908.4 (MANE Select); coding-DNA position 1247, T replaced by G.
Protein change: p.Met416Arg; replaces methionine 416 with arginine.
Molecular consequence: missense variant.
Genome position (GRCh38, 1-based): chr4:102,669,033, A>C on the plus strand (T>G on the coding strand, the complement: MANBA is on the minus strand). VCF-style: chr4-102669033-A-C. GRCh37 (hg19) VCF-style: chr4-103590190-A-C.
Other names: short protein forms M416R.
Identifiers: ClinVar variation 1721860 (VCV001721860.5), dbSNP rs2476779499, ClinGen allele CA357762188.
Genomic context (GRCh38, chr4:102,669,033, plus strand): 5'-ACTTCTGCTGTCACTGAATCCAGGAAGCCCTGATCAGTTGGATAAAGGGCACAGGCAAAC[A>C]TAAAATCCTGCCATACCTAGCAAATCAAATAAAAGGGAATGCAACACTTCCATAAGTTTT-3'
Protein context (NP_005899.3, residues 406-426): ELGIMVWQDF[Met416Arg]FACALYPTDQ

ClinVar aggregate classification (germline): Uncertain significance (1 of 4 stars; one submission).

Conditions:
Beta-D-mannosidosis (MANSB). Also called: MANNOSIDOSIS, BETA A, LYSOSOMAL; BETA-MANNOSIDASE DEFICIENCY; LYSOSOMAL BETA-MANNOSIDASE DEFICIENCY; Beta-Mannosidosis. Identifiers: Orphanet 118, MedGen C4048196, MONDO:0009562, OMIM 248510.

Submission:

Labcorp Genetics (formerly Invitae), Labcorp
Classification: Uncertain significance for Beta-D-mannosidosis. Last evaluated: 2024-06-17. Review status: criteria provided, single submitter. Criteria: Invitae Variant Classification Sherloc (09022015). Collection method: clinical testing. Allele origin: germline.
Comment: This sequence change replaces methionine, which is neutral and non-polar, with arginine, which is basic and polar, at codon 416 of the MANBA protein (p.Met416Arg). This variant is not present in population databases (gnomAD no frequency). This variant has not been reported in the literature in individuals affected with MANBA-related conditions. ClinVar contains an entry for this variant (Variation ID: 1721860). Advanced modeling of protein sequence and biophysical properties (such as structural, functional, and spatial information, amino acid conservation, physicochemical variation, residue mobility, and thermodynamic stability) performed at Invitae indicates that this missense variant is expected to disrupt MANBA protein function with a positive predictive value of 80%. In summary, the available evidence is currently insufficient to determine the role of this variant in disease. Therefore, it has been classified as a Variant of Uncertain Significance.